The following is an entry in ClinVar:

NM_002691.4(POLD1):c.436C>G (p.Pro146Ala)

Gene: POLD1 (DNA polymerase delta 1, catalytic subunit; plus strand). Cytogenetic location: 19q13.33.
Variant type: single nucleotide variant.
Coding change: c.436C>G on transcript NM_002691.4 (MANE Select); coding-DNA position 436, C replaced by G.
Protein change: p.Pro146Ala; replaces proline 146 with alanine.
Molecular consequence: missense variant. On other transcripts: non-coding transcript variant (1).
Genome position (GRCh38, 1-based): chr19:50,401,897, C>G. VCF-style: chr19-50401897-C-G. GRCh37 (hg19) VCF-style: chr19-50905154-C-G.
Other names: c.436C>G, p.Pro146Ala (NM_001256849.1, NM_001308632.1); short protein forms P146A.
Identifiers: ClinVar variation 1018918 (VCV001018918.9), dbSNP rs2038650909, ClinGen allele CA406972671.

ClinVar aggregate classification (germline): Uncertain significance (1 of 4 stars; one submission).

Conditions:
POLD1-related polyposis and colorectal cancer syndrome (CRCS10). Also called: Colorectal cancer 10; COLORECTAL CANCER, SUSCEPTIBILITY TO, ON CHROMOSOME 19q; Colorectal cancer, susceptibility to, 10. Identifiers: Orphanet 220460, MedGen C2675481, MONDO:0012953, OMIM 612591.

Submission:

Labcorp Genetics (formerly Invitae), Labcorp
Classification: Uncertain significance for POLD1-related polyposis and colorectal cancer syndrome. Last evaluated: 2020-01-06. Review status: criteria provided, single submitter. Criteria: Invitae Variant Classification Sherloc (09022015). Collection method: clinical testing. Allele origin: germline.
Comment: In summary, the available evidence is currently insufficient to determine the role of this variant in disease. Therefore, it has been classified as a Variant of Uncertain Significance. Algorithms developed to predict the effect of missense changes on protein structure and function are either unavailable or do not agree on the potential impact of this missense change (SIFT: "Tolerated"; PolyPhen-2: "Probably Damaging"; Align-GVGD: "Class C0"). This variant has not been reported in the literature in individuals with POLD1-related conditions. This variant is not present in population databases (ExAC no frequency). This sequence change replaces proline with alanine at codon 146 of the POLD1 protein (p.Pro146Ala). The proline residue is highly conserved and there is a small physicochemical difference between proline and alanine.